The following is an entry in ClinVar:

NM_053274.3(GLMN):c.743dup (p.Leu248fs)

Gene: GLMN (glomulin; minus strand). Cytogenetic location: 1p22.1.
Variant type: Duplication.
Coding change: c.743dup on transcript NM_053274.3 (MANE Select); coding-DNA position 743, one base duplicated (T; older notation c.743dupT).
Protein change: p.Leu248fs; shifts the reading frame from leucine 248.
Molecular consequence: frameshift variant. On other transcripts: non-coding transcript variant (1).
Genome position (GRCh38, 1-based): chr1:92,271,645, A duplicated on the plus strand (T on the coding strand, the reverse complement: GLMN is on the minus strand); the first of 6 consecutive A bases (chr1:92,271,645-92,271,650); duplicating any one gives the same sequence. VCF-style (leftmost placement, unchanged base first): chr1-92271644-T-TA. GRCh37 (hg19) VCF-style: chr1-92737201-T-TA.
Other names: c.743dup, p.Leu248fs (NM_001319683.2); short protein forms L248fs.
Identifiers: ClinVar variation 618144 (VCV000618144.31), dbSNP rs754756178, ClinGen allele CA950495.

ClinVar aggregate classification (germline): Pathogenic/Likely pathogenic. Review status: criteria provided, multiple submitters, no conflicts (2 of 4 stars). 9 submissions from 9 submitters: Pathogenic (8); Likely pathogenic (1). Last evaluated 2025-11-14.

Conditions:
GLMN-related disorder. Also called: GLMN-related condition.
GLMN-related disorders.
Inborn genetic diseases. Identifiers: MedGen C0950123, MeSH D030342.
Glomuvenous malformation. Also called: VENOUS MALFORMATIONS WITH GLOMUS CELLS; Familial glomangioma; GLOMANGIOMAS, MULTIPLE; GLOMUS TUMORS, MULTIPLE. Identifiers: Orphanet 83454, MedGen C1841984, MONDO:0007672, OMIM 138000.

Submissions (9):

Ambry Genetics
Classification: Pathogenic for Inborn genetic diseases. Last evaluated: 2025-11-14. Review status: criteria provided, single submitter. Criteria: Ambry Variant Classification Scheme 2023. Collection method: clinical testing. Allele origin: germline.
Comment: The c.743dupT alteration, located in exon 8 (coding exon 7) of the GLMN gene, consists of a duplication of T at position 743, causing a translational frameshift with a predicted alternate stop codon after amino acids. This alteration is expected to result in loss of function by premature protein truncation or nonsense-mediated mRNA decay. Based on data from gnomAD, the TT allele has an overall frequency of 0.002% (5/251088) total alleles studied. The highest observed frequency was 0.004% (5/113572) of European (non-Finnish) alleles. This variant was reported in individual(s) with features consistent with glomuvenous malformations (Brouillard, 2005; Brouillard, 2013; Li, 2023). Based on the available evidence, this alteration is classified as pathogenic.

Victorian Clinical Genetics Services, Murdoch Childrens Research Institute
Classification: Pathogenic for Glomuvenous malformation. Last evaluated: 2025-09-16. Review status: criteria provided, single submitter. Criteria: ACMG Guidelines, 2015. Collection method: clinical testing. Allele origin: germline.
Comment: This variant is classified as Pathogenic. Evidence in support of pathogenic classification: Variant is predicted to cause nonsense-mediated decay (NMD) and loss of protein (premature termination codon is located at least 54 nucleotides upstream of the final exon-exon junction); Variant is present in gnomAD (v4) <0.001 for a dominant condition (58 heterozygotes, 0 homozygotes); This variant has strong previous evidence of pathogenicity in unrelated individuals. This variant has been reported in at least nine unrelated individuals with glomuvenous malformations (ClinVar, PMID:23801931, 15689436); Other NMD-predicted variants comparable to the one identified in this case have very strong previous evidence for pathogenicity. Variants predicted to cause NMD are the most common variant type reported in affected individuals (ClinVar, PMID:23801931). Additional information: This variant is heterozygous; This gene is associated with autosomal dominant disease; No published functional evidence has been identified for this variant; Loss of function is a known mechanism of disease in this gene and is associated with glomuvenous malformations (MIM#138000); The condition associated with this gene has incomplete penetrance. In a cohort of 162 families, penetrance was estimated to be approximately 90% (PMID:23801931); Variants in this gene are known to have variable expressivity. Significant phenotypic variability is reported even among affected family members, and may be influenced by somatically-acquired 'second hits' (PMID:23801931, 23375657); Inheritance information for this variant is not currently available in this individual.

CeGaT Center for Human Genetics Tuebingen
Classification: Pathogenic. Last evaluated: 2025-07-01. Review status: criteria provided, single submitter. Criteria: CeGaT Center For Human Genetics Tuebingen Variant Classification Criteria Version 2. Collection method: clinical testing. Allele origin: germline. Affected: yes. Observed: 1 variant allele.
Comment: GLMN: PVS1, PM2, PS4:Moderate

ARUP Laboratories, Molecular Genetics and Genomics, ARUP Laboratories
Classification: Pathogenic for Glomuvenous malformation. Last evaluated: 2025-05-14. Review status: criteria provided, single submitter. Criteria: ARUP Molecular Germline Variant Investigation Process 2024. Collection method: clinical testing. Allele origin: germline.
Comment: The GLMN c.743dupT; p.Leu248fs variant (rs754756178), also known as 738insT, is reported in the literature in multiple individuals with glomuvenous malformations (Amyere 2013, Brouillard 2005, Brouillard 2013). This variant is found in the general population with an overall allele frequency of 0.002% (5/251088 alleles) in the Genome Aggregation Database, although incomplete penetrance is also reported in association with GLMN variants (Brouillard 2013). This variant causes a frameshift by inserting a single nucleotide, so it is predicted to result in a truncated protein or mRNA subject to nonsense-mediated decay. Additionally, the vast majority of variants identified in individuals with glomuvenous malformations result in truncations or altered splicing (Brouillard 2013). Based on available information, the c.743dupT variant is considered to be pathogenic. References: Amyere et al. Somatic uniparental isodisomy explains multifocality of glomuvenous malformations. Am J Hum Genet. 2013 Feb 7;92(2):188-96. Brouillard et al. Four common glomulin mutations cause two thirds of glomuvenous malformations ("familial glomangiomas"): evidence for a founder effect. J Med Genet. 2005 Feb;42(2):e13. Brouillard et al. Genotypes and phenotypes of 162 families with a glomulin mutation. Mol Syndromol. 2013 Apr;4(4):157-64.

PreventionGenetics, part of Exact Sciences
Classification: Pathogenic for GLMN-related condition. Last evaluated: 2024-12-18. Review status: criteria provided, single submitter. Criteria: ACMG Guidelines, 2015. Collection method: clinical testing. Allele origin: germline.
Comment: The GLMN c.743dupT variant is predicted to result in a frameshift and premature protein termination (p.Leu248Phefs*14). This variant has been reported to be causative for glomuvenous malformations (referred to 738insT, Brouillard et al. 2005. PubMed ID: 15689436; Amyere et al. 2013. PubMed ID: 23375657; Brouillard et al. 2013. PubMed ID: 23801931). A family study showed that this variant was found in four family members, three of whom were affected, suggesting incomplete penetrance. In addition, an affected patient with this variant from a different study was also reported to have a somatically acquired second hit involving uniparental isodisomy of 1p (Amyere et al. 2013. PubMed ID: 23375657). This variant is reported in 0.0044% of alleles in individuals of European (Non-Finnish) descent in gnomAD. Frameshift variants in GLMN are expected to be pathogenic with reduced penetrance and variable expressivity (Brouillard et al. 2005. PubMed ID: 15689436). Based on this evidence, this variant is interpreted as pathogenic.

Blueprint Genetics
Classification: Pathogenic for GLMN-related disorders. Last evaluated: 2024-07-16. Review status: criteria provided, single submitter. Criteria: ACMG Guidelines, 2015. Collection method: clinical testing. Allele origin: germline. Affected: yes. Observed: 5 variant alleles.

GeneDx
Classification: Likely pathogenic. Last evaluated: 2024-01-22. Review status: criteria provided, single submitter. Criteria: GeneDx Variant Classification Process June 2021. Collection method: clinical testing. Allele origin: germline.
Comment: Frameshift variant predicted to result in protein truncation or nonsense mediated decay in a gene for which loss-of-function is a known mechanism of disease; This variant is associated with the following publications: (PMID: 31980526, 34740135, 15689436)

Labcorp Genetics (formerly Invitae), Labcorp
Classification: Pathogenic. Last evaluated: 2018-05-16. Review status: criteria provided, single submitter. Criteria: Invitae Variant Classification Sherloc (09022015). Collection method: clinical testing. Allele origin: germline.
Comment: For these reasons, this variant has been classified as Pathogenic. Loss-of-function variants in GLMN are known to be pathogenic (PMID: 23801931). This variant has been observed to segregate with glomuvenous malformations in a family (PMID: 15689436). This variant is also known as 738insT in the literature. The frequency data for this variant in the population databases is considered unreliable, as metrics indicate poor data quality at this position in the ExAC database. This sequence change creates a premature translational stop signal (p.Leu248Phefs*14) in the GLMN gene. It is expected to result in an absent or disrupted protein product.

Juno Genomics, Hangzhou Juno Genomics, Inc
Classification: Pathogenic for Glomuvenous malformation. Review status: criteria provided, single submitter. Criteria: ACMG Guidelines, 2015. Collection method: clinical testing. Allele origin: germline.
Comment: Absent from controls (or at extremely low frequency if recessive) in Genome Aggregation Database.;Null variant in a gene where loss of function (LOF) is a known mechanism of disease.;The prevalence of the variant in affected individuals is significantly increased compared to the prevalence in controls.

Literature cited by the submitters: PubMed 15689436 (cited by 3 submitters); PubMed 23801931 (cited by 3 submitters); PubMed 37264205 (cited by Ambry Genetics); PubMed 23375657 (cited by Victorian Clinical Genetics Services, Murdoch Childrens Research Institute).